The following is an entry in ClinVar:

NM_003922.4(HERC1):c.13860G>C (p.Glu4620Asp)

Gene: HERC1 (HECT and RLD domain containing E3 ubiquitin protein ligase family member 1; minus strand). Cytogenetic location: 15q22.31.
Variant type: single nucleotide variant.
Coding change: c.13860G>C on transcript NM_003922.4 (MANE Select); coding-DNA position 13860, G replaced by C.
Protein change: p.Glu4620Asp; replaces glutamic acid 4620 with aspartic acid.
Molecular consequence: missense variant.
Genome position (GRCh38, 1-based): chr15:63,616,511, C>G on the plus strand (G>C on the coding strand, the complement: HERC1 is on the minus strand). VCF-style: chr15-63616511-C-G. GRCh37 (hg19) VCF-style: chr15-63908710-C-G.
Other names: short protein forms E4620D.
Identifiers: ClinVar variation 3372941 (VCV003372941.1).

ClinVar aggregate classification (germline): Uncertain significance (1 of 4 stars; one submission).

Submission:

GeneDx
Classification: Uncertain significance. Last evaluated: 2024-04-23. Review status: criteria provided, single submitter. Criteria: GeneDx Variant Classification Process June 2021. Collection method: clinical testing. Allele origin: germline. Affected: yes.
Comment: Not observed at significant frequency in large population cohorts (gnomAD); In silico analysis indicates that this missense variant does not alter protein structure/function; Has not been previously published as pathogenic or benign to our knowledge